The following is an entry in ClinVar:

NM_001365276.2(TNXB):c.242C>G (p.Pro81Arg)

Gene: TNXB (tenascin XB; minus strand). Cytogenetic location: 6p21.33.
Variant type: single nucleotide variant.
Coding change: c.242C>G on transcript NM_001365276.2 (MANE Select); coding-DNA position 242, C replaced by G.
Protein change: p.Pro81Arg; replaces proline 81 with arginine.
Molecular consequence: missense variant.
Genome position (GRCh38, 1-based): chr6:32,097,957, G>C on the plus strand (C>G on the coding strand, the complement: TNXB is on the minus strand). VCF-style: chr6-32097957-G-C. GRCh37 (hg19) VCF-style: chr6-32065734-G-C.
Other names: c.242C>G, p.Pro81Arg (NM_001428335.1, NM_019105.8); short protein forms P81R.
Identifiers: ClinVar variation 3971949 (VCV003971949.1).

ClinVar aggregate classification (germline): Uncertain significance (1 of 4 stars; one submission).

Conditions:
Cardiovascular phenotype. Identifiers: MedGen CN230736.

gnomAD v4.1: 18 of 1,601,508 alleles (0.0011%); highest among the groups gnomAD compares: Non-Finnish European, 0.00085%; no homozygotes.

Submission:

Ambry Genetics
Classification: Uncertain significance for Cardiovascular phenotype. Last evaluated: 2025-06-10. Review status: criteria provided, single submitter. Criteria: Ambry Variant Classification Scheme 2023. Collection method: clinical testing. Allele origin: germline.
Comment: The p.P81R variant (also known as c.242C>G), located in coding exon 1 of the TNXB gene, results from a C to G substitution at nucleotide position 242. The proline at codon 81 is replaced by arginine, an amino acid with dissimilar properties. This amino acid position is conserved. In addition, this alteration is predicted to be tolerated by in silico analysis. Based on the available evidence, the clinical significance of this variant remains unclear.